The following is an entry in ClinVar:

ClinVar aggregate classification (germline): Likely pathogenic (1 of 4 stars; one submission).

Conditions:
Maple syrup urine disease (MSUD). Identifiers: Orphanet 511, MedGen C0024776, MeSH D008375, MONDO:0009563. Disease mechanism: loss of function.

Submission:

Labcorp Genetics (formerly Invitae), Labcorp
Classification: Likely pathogenic for Maple syrup urine disease. Last evaluated: 2022-09-22. Review status: criteria provided, single submitter. Criteria: Invitae Variant Classification Sherloc (09022015). Collection method: clinical testing. Allele origin: germline.
Comment: This variant is a gross deletion of the genomic region encompassing exon(s) 9 of the BCKDHB gene. This variant would be expected to be in-frame, preserving the integrity of the reading frame. This variant has not been reported in the literature in individuals affected with BCKDHB-related conditions. This variant disrupts the p.Ser339 amino acid residue in BCKDHB. Other variant(s) that disrupt this residue have been determined to be pathogenic (PMID: 11448970, 22593002, 30228974). This suggests that this residue is clinically significant, and that variants that disrupt this residue are likely to be disease-causing. In summary, the currently available evidence indicates that the variant is pathogenic, but additional data are needed to prove that conclusively. Therefore, this variant has been classified as Likely Pathogenic.

Literature cited by the submitters: PubMed 11448970; PubMed 22593002; PubMed 30228974.

NC_000006.12:g.(?_80273125)_(80273231_?)del

Gene: BCKDHB (branched chain keto acid dehydrogenase E1 subunit beta; plus strand). Cytogenetic location: 6q14.1.
Variant type: Deletion.
Identifiers: ClinVar variation 831659 (VCV000831659.7).